The following is an entry in ClinVar:

NM_144670.6(A2ML1):c.2773G>A (p.Ala925Thr)

Gene: A2ML1 (alpha-2-macroglobulin like 1; plus strand). Cytogenetic location: 12p13.31.
Variant type: single nucleotide variant.
Coding change: c.2773G>A on transcript NM_144670.6 (MANE Select); coding-DNA position 2773, G replaced by A.
Protein change: p.Ala925Thr; replaces alanine 925 with threonine.
Molecular consequence: missense variant.
Genome position (GRCh38, 1-based): chr12:8,855,517, G>A. VCF-style: chr12-8855517-G-A. GRCh37 (hg19) VCF-style: chr12-9008113-G-A.
Other names: c.1300G>A, p.Ala434Thr (NM_001282424.3); short protein forms A434T, A925T.
Identifiers: ClinVar variation 644340 (VCV000644340.15), dbSNP rs201363860, ClinGen allele CA6436148.
Genomic context (GRCh38, chr12:8,855,517, plus strand): 5'-CCCTGCCATTCCCCATCTTCTATTGTGTCACCTTTTTTTCTGCATCTCACAGGAAAGGTG[G>A]CATCTGAATCTGTCTCCCTGGAGCTCCCAGTGGACATTGTTCCTGACTCGACCAAGGCTT-3'
Protein context (NP_653271.3, residues 915-935): SSLLCPKGKV[Ala925Thr]SESVSLELPV

ClinVar aggregate classification (germline): Conflicting classifications of pathogenicity. Review status: criteria provided, conflicting classifications (1 of 4 stars). 3 submissions from 3 submitters: Uncertain significance (2); Likely benign (1). Last evaluated 2025-12-16.

Allele frequency attached by ClinVar (database versions not stated): ESP Exome Variant Server 0.00041; ExAC 0.00005; gnomAD exomes 0.00005; TOPMed 0.00010; gnomAD 0.00011.
gnomAD v4.1: 227 of 1,613,948 alleles (0.014%); highest among the groups gnomAD compares: Non-Finnish European, 0.018%; no homozygotes.

Submissions (3):

Labcorp Genetics (formerly Invitae), Labcorp
Classification: Uncertain significance. Last evaluated: 2025-12-16. Review status: criteria provided, single submitter. Criteria: Invitae Variant Classification Sherloc (09022015). Collection method: clinical testing. Allele origin: germline.
Comment: This sequence change replaces alanine, which is neutral and non-polar, with threonine, which is neutral and polar, at codon 925 of the A2ML1 protein (p.Ala925Thr). This variant is present in population databases (rs201363860, gnomAD 0.01%). This variant has not been reported in the literature in individuals affected with A2ML1-related conditions. ClinVar contains an entry for this variant (Variation ID: 644340). An algorithm developed to predict the effect of missense changes on protein structure and function (PolyPhen-2) suggests that this variant is likely to be tolerated. In summary, the available evidence is currently insufficient to determine the role of this variant in disease. Therefore, it has been classified as a Variant of Uncertain Significance.

Ambry Genetics
Classification: Uncertain significance. Last evaluated: 2025-04-23. Review status: criteria provided, single submitter. Criteria: Ambry Variant Classification Scheme 2023. Collection method: clinical testing. Allele origin: germline.
Comment: The p.A925T variant (also known as c.2773G>A), located in coding exon 23 of the A2ML1 gene, results from a G to A substitution at nucleotide position 2773. The alanine at codon 925 is replaced by threonine, an amino acid with similar properties. This amino acid position is conserved. In addition, this alteration is predicted to be tolerated by in silico analysis. Since supporting evidence is limited at this time, the clinical significance of this alteration remains unclear.

Women's Health and Genetics/Laboratory Corporation of America, LabCorp
Classification: Likely benign. Last evaluated: 2020-01-27. Review status: criteria provided, single submitter. Criteria: LabCorp Variant Classification Summary - May 2015. Collection method: clinical testing. Allele origin: germline.
Comment: Variant summary: A2ML1 c.2773G>A (p.Ala925Thr) results in a non-conservative amino acid change in the encoded protein sequence. Four of five in-silico tools predict a benign effect of the variant on protein function. The variant allele was found at a frequency of 5.2e-05 in 249534 control chromosomes, predominantly at a frequency of 0.00011 within the Non-Finnish European subpopulation in the gnomAD database. The observed variant frequency within Non-Finnish European control individuals in the gnomAD database is approximately 27-fold the estimated maximal expected allele frequency for a pathogenic variant in A2ML1 causing Noonan Syndrome phenotype (4e-06), strongly suggesting that the variant is a benign polymorphism found primarily in populations of Non-Finnish European origin. To our knowledge, no occurrence of c.2773G>A in individuals affected with Noonan Syndrome and no experimental evidence demonstrating its impact on protein function have been reported. One clinical diagnostic laboratory has submitted clinical-significance assessments for this variant to ClinVar after 2014 without evidence for independent evaluation and cited the variant as uncertain significance. Based on the evidence outlined above, the variant was classified as likely benign.